The following is an entry in ClinVar:

NM_015046.7(SETX):c.6638C>A (p.Pro2213Gln)

Gene: SETX (senataxin; minus strand). Cytogenetic location: 9q34.13.
Variant type: single nucleotide variant.
Coding change: c.6638C>A on transcript NM_015046.7 (MANE Select); coding-DNA position 6638, C replaced by A.
Protein change: p.Pro2213Gln; replaces proline 2213 with glutamine.
Molecular consequence: missense variant.
Genome position (GRCh38, 1-based): chr9:132,281,483, G>T on the plus strand (C>A on the coding strand, the complement: SETX is on the minus strand). VCF-style: chr9-132281483-G-T. GRCh37 (hg19) VCF-style: chr9-135156870-G-T.
Other names: c.6638C>A, p.Pro2213Gln (NM_001351527.2, NM_001351528.2); short protein forms P2213Q.
Identifiers: ClinVar variation 1754598 (VCV001754598.2), dbSNP rs28940290, ClinGen allele CA375333427.
Genomic context (GRCh38, chr9:132,281,483, plus strand): 5'-AAAGCCCCTTCCATTTTAAAGCAATCTGAACATAAAAAACTTACCATAGAGATGACTGTC[G>T]GAGGGAGCTGCTTAGGATCTCCTACTAGGATGAGCTTATTGCAGCGATGGATGAGTGGAG-3'
Protein context (NP_055861.3, residues 2203-2223): ILVGDPKQLP[Pro2213Gln]TVISMKAQEY

ClinVar aggregate classification (germline): Uncertain significance (1 of 4 stars; one submission).

Conditions:
Inborn genetic diseases. Identifiers: MedGen C0950123, MeSH D030342.

Submission:

Ambry Genetics
Classification: Uncertain significance for Inborn genetic diseases. Last evaluated: 2021-04-27. Review status: criteria provided, single submitter. Criteria: Ambry Variant Classification Scheme 2023. Collection method: clinical testing. Allele origin: germline.
Comment: The p.P2213Q variant (also known as c.6638C>A), located in coding exon 18 of the SETX gene, results from a C to A substitution at nucleotide position 6638. The proline at codon 2213 is replaced by glutamine, an amino acid with similar properties. This amino acid position is highly conserved in available vertebrate species. In addition, this alteration is predicted to be deleterious by in silico analysis. Since supporting evidence is limited at this time, the clinical significance of this alteration remains unclear.